The following is an entry in ClinVar:

ClinVar aggregate classification (germline): Benign/Likely benign. Review status: criteria provided, multiple submitters, no conflicts (2 of 4 stars). 7 submissions from 7 submitters: Benign (2); Likely benign (2). 3 of the submissions do not count toward it. Last evaluated 2024-10-18.

Conditions:
PCDH15-related disorder. Also called: PCDH15-related condition; PCDH15-related disorders.

Allele frequency attached by ClinVar (database versions not stated): gnomAD exomes 0.00039 and 0.00102; ExAC 0.00125; gnomAD 0.00420 and 0.00449; TOPMed 0.00458; 1000 Genomes Project 0.00579; 1000 Genomes Project 30x 0.00640; ESP Exome Variant Server 0.00447.
gnomAD v4.1: 1,229 of 1,613,958 alleles (0.076%); highest among the groups gnomAD compares: African/African-American, 1.5%; 2 homozygotes.

Submissions (7):

Blueprint Genetics
Classification: Likely benign. Last evaluated: 2024-10-18. Review status: criteria provided, single submitter. Criteria: ACMG Guidelines, 2015. Collection method: clinical testing. Allele origin: germline.

Labcorp Genetics (formerly Invitae), Labcorp
Classification: Benign. Last evaluated: 2021-04-24. Review status: criteria provided, single submitter. Criteria: Invitae Variant Classification Sherloc (09022015). Collection method: clinical testing. Allele origin: germline.

GeneDx
Classification: Likely benign. Last evaluated: 2018-09-28. Review status: criteria provided, single submitter. Criteria: GeneDx Variant Classification Process June 2021. Collection method: clinical testing. Allele origin: germline. Affected: yes.

Laboratory for Molecular Medicine, Mass General Brigham Personalized Medicine
Classification: Benign. Last evaluated: 2012-05-07. Review status: criteria provided, single submitter. Criteria: LMM Criteria. Collection method: clinical testing. Allele origin: germline. Observed: 2 variant alleles.
Comment: Glu1649Asp in Exon 36 of PCDH15: This variant is not expected to have clinical s ignificance because it has been identified in 1.5% (35/2374) of African American chromosomes from a broad population by the NHLBI Exome Sequencing Project (dbSNP rs16937768).

PreventionGenetics, part of Exact Sciences
Classification: Benign for PCDH15-related condition. Last evaluated: 2019-07-12. Review status: no assertion criteria provided. Collection method: clinical testing. Allele origin: germline. Not counted in ClinVar's aggregate classification.
Comment: This variant is classified as benign based on ACMG/AMP sequence variant interpretation guidelines (Richards et al. 2015 PMID: 25741868, with internal and published modifications).

Clinical Genetics DNA and cytogenetics Diagnostics Lab, Erasmus MC, Erasmus Medical Center
Classification: Benign. Review status: no assertion criteria provided. Collection method: clinical testing. Allele origin: germline. Affected: yes. Study: VKGL Data-share Consensus. Not counted in ClinVar's aggregate classification.

Clinical Genetics, Academic Medical Center
Classification: Benign. Review status: no assertion criteria provided. Collection method: clinical testing. Allele origin: germline. Affected: yes. Study: VKGL Data-share Consensus. Not counted in ClinVar's aggregate classification.

NM_001384140.1(PCDH15):c.4671+1438A>C

Gene: PCDH15 (protocadherin related 15; minus strand). Cytogenetic location: 10q21.1.
Variant type: single nucleotide variant.
Coding change: c.4671+1438A>C on transcript NM_001384140.1 (MANE Select); 1438 bases into the intron after coding-DNA position 4671, A replaced by C.
Molecular consequence: intron variant. On other transcripts: missense variant (2), 3 prime UTR variant (1).
Genome position (GRCh38, 1-based): chr10:53,809,118, T>G on the plus strand (A>C on the coding strand, the complement: PCDH15 is on the minus strand). VCF-style: chr10-53809118-T-G. GRCh37 (hg19) VCF-style: chr10-55568878-T-G.
Other names: c.4947A>C, p.Glu1649Asp (NM_001142769.4); c.*362A>C (NM_001142770.3); c.4926A>C, p.Glu1642Asp (NM_001354411.2); c.4476+1438A>C (NM_001354420.2); c.4605+1438A>C (NM_001354429.2); c.4482+1438A>C (NM_001142772.2); c.4497+1438A>C (NM_001142771.2); short protein forms E1649D, E1642D.
Identifiers: ClinVar variation 504714 (VCV000504714.21), dbSNP rs16937768, ClinGen allele CA5504768.
Genomic context (GRCh38, chr10:53,809,118, plus strand): 5'-TCTTCTTGCAAGCACAATGTTTTTCCTTGCTTTTTCTCCTTCTGACTCTGTGGATTCCGA[T>G]TCTTCTGATTCAGGGGTGGAACTCTCCTCCTCCTCAGAGGGTGTCTCTGACTCAGATTCC-3'